The following is an entry in ClinVar:

NM_000388.4(CASR):c.1156A>C (p.Asn386His)

Gene: CASR (calcium sensing receptor; plus strand). Cytogenetic location: 3q21.1.
Variant type: single nucleotide variant.
Coding change: c.1156A>C on transcript NM_000388.4 (MANE Select); coding-DNA position 1156, A replaced by C.
Protein change: p.Asn386His; replaces asparagine 386 with histidine.
Molecular consequence: missense variant.
Genome position (GRCh38, 1-based): chr3:122,262,191, A>C. VCF-style: chr3-122262191-A-C. GRCh37 (hg19) VCF-style: chr3-121981038-A-C.
Other names: c.1156A>C, p.Asn386His (NM_001178065.2); short protein forms N386H.
Identifiers: ClinVar variation 1477784 (VCV001477784.8), dbSNP rs2107632989, ClinGen allele CA354152712.

ClinVar aggregate classification (germline): Uncertain significance (1 of 4 stars; one submission).

Conditions:
Autosomal dominant hypocalcemia 1 (HYPOC1). Also called: HYPOCALCEMIA, FAMILIAL. Identifiers: MedGen C3715128, MONDO:0011013, OMIM 601198.
Familial hypocalciuric hypercalcemia (FHH). Also called: Familial benign hypercalcemia. Identifiers: Orphanet 405, MedGen C1809471, MONDO:0018458.

Submission:

Labcorp Genetics (formerly Invitae), Labcorp
Classification: Uncertain significance for Familial hypocalciuric hypercalcemia; Autosomal dominant hypocalcemia 1. Last evaluated: 2022-01-27. Review status: criteria provided, single submitter. Criteria: Invitae Variant Classification Sherloc (09022015). Collection method: clinical testing. Allele origin: germline.
Comment: This sequence change replaces asparagine, which is neutral and polar, with histidine, which is basic and polar, at codon 386 of the CASR protein (p.Asn386His). This variant is not present in population databases (gnomAD no frequency). In summary, the available evidence is currently insufficient to determine the role of this variant in disease. Therefore, it has been classified as a Variant of Uncertain Significance. Algorithms developed to predict the effect of missense changes on protein structure and function (SIFT, PolyPhen-2, Align-GVGD) all suggest that this variant is likely to be disruptive. This variant has not been reported in the literature in individuals affected with CASR-related conditions.